The following is an entry in ClinVar:

ClinVar aggregate classification (germline): Benign. Review status: criteria provided, multiple submitters, no conflicts (2 of 4 stars). 2 submissions from 2 submitters: Benign (2). Last evaluated 2018-06-14.

Allele frequency attached by ClinVar (database versions not stated): gnomAD exomes 0.00691 and 0.01895; ExAC 0.02319; gnomAD 0.06445; 1000 Genomes Project 0.07656; TOPMed 0.07823; 1000 Genomes Project 30x 0.08117; ESP Exome Variant Server 0.08461.
gnomAD v4.1: 15,367 of 1,206,751 alleles (1.3%); highest among the groups gnomAD compares: African/African-American, 24%; 1,223 homozygotes.

Submissions (2):

GeneDx
Classification: Benign. Last evaluated: 2018-06-14. Review status: criteria provided, single submitter. Criteria: GeneDx Variant Classification (06012015). Collection method: clinical testing. Allele origin: germline. Affected: yes.
Comment: This variant is considered likely benign or benign based on one or more of the following criteria: it is a conservative change, it occurs at a poorly conserved position in the protein, it is predicted to be benign by multiple in silico algorithms, and/or has population frequency not consistent with disease.

Breakthrough Genomics
Classification: Benign. Review status: criteria provided, single submitter. Criteria: ACMG Guidelines, 2015. Collection method: not provided. Allele origin: germline. Inheritance: X-linked inheritance. Affected: yes.

NM_001110556.2(FLNA):c.1828+39C>T

Gene: FLNA (filamin A; minus strand). Cytogenetic location: Xq28.
Variant type: single nucleotide variant.
Coding change: c.1828+39C>T on transcript NM_001110556.2 (MANE Select); 39 bases into the intron after coding-DNA position 1828, C replaced by T.
Molecular consequence: intron variant.
Genome position (GRCh38, 1-based): chrX:154,364,782, G>A on the plus strand (C>T on the coding strand, the complement: FLNA is on the minus strand). VCF-style: chrX-154364782-G-A. GRCh37 (hg19) VCF-style: chrX-153593150-G-A.
Other names: c.1828+39C>T (NM_001456.4).
Identifiers: ClinVar variation 675254 (VCV000675254.2), dbSNP rs743545, ClinGen allele CA10561070.